The following is an entry in ClinVar:

NM_000257.4(MYH7):c.3428T>G (p.Leu1143Arg)

Gene: MYH7 (myosin heavy chain 7; minus strand). Cytogenetic location: 14q11.2.
Variant type: single nucleotide variant.
Coding change: c.3428T>G on transcript NM_000257.4 (MANE Select); coding-DNA position 3428, T replaced by G.
Protein change: p.Leu1143Arg; replaces leucine 1143 with arginine.
Molecular consequence: missense variant.
Genome position (GRCh38, 1-based): chr14:23,420,143, A>C on the plus strand (T>G on the coding strand, the complement: MYH7 is on the minus strand). VCF-style: chr14-23420143-A-C. GRCh37 (hg19) VCF-style: chr14-23889352-A-C.
Other names: short protein forms L1143R.
Identifiers: ClinVar variation 454366 (VCV000454366.9), dbSNP rs1479746343, ClinGen allele CA389043919.

ClinVar aggregate classification (germline): Uncertain significance. Review status: criteria provided, multiple submitters, no conflicts (2 of 4 stars). 2 submissions from 2 submitters: Uncertain significance (2). Last evaluated 2025-11-21.

Conditions:
Hypertrophic cardiomyopathy. Also called: HYPERTROPHIC MYOCARDIOPATHY. Identifiers: Orphanet 217569, MedGen C0007194, MeSH D002312, MONDO:0005045, HP:0001639.
Cardiovascular phenotype. Identifiers: MedGen CN230736.

Allele frequency attached by ClinVar (database versions not stated): gnomAD exomes 0.00001.
gnomAD v4.1: 11 of 1,604,366 alleles (0.00069%); highest among the groups gnomAD compares: Non-Finnish European, 0.00093%; no homozygotes.

Submissions (2):

Labcorp Genetics (formerly Invitae), Labcorp
Classification: Uncertain significance for Hypertrophic cardiomyopathy. Last evaluated: 2025-11-21. Review status: criteria provided, single submitter. Criteria: Invitae Variant Classification Sherloc (09022015). Collection method: clinical testing. Allele origin: germline.
Comment: This sequence change replaces leucine, which is neutral and non-polar, with arginine, which is basic and polar, at codon 1143 of the MYH7 protein (p.Leu1143Arg). This variant is not present in population databases (gnomAD no frequency). This missense change has been observed in individual(s) with hypertrophic cardiomyopathy (PMID: 27532257, 37652022; internal data). ClinVar contains an entry for this variant (Variation ID: 454366). Invitae Evidence Modeling of protein sequence and biophysical properties (such as structural, functional, and spatial information, amino acid conservation, physicochemical variation, residue mobility, and thermodynamic stability) indicates that this missense variant is expected to disrupt MYH7 protein function with a positive predictive value of 95%. In summary, the available evidence is currently insufficient to determine the role of this variant in disease. Therefore, it has been classified as a Variant of Uncertain Significance.

Ambry Genetics
Classification: Uncertain significance for Cardiovascular phenotype. Last evaluated: 2025-03-07. Review status: criteria provided, single submitter. Criteria: Ambry Variant Classification Scheme 2023. Collection method: clinical testing. Allele origin: germline.
Comment: The p.L1143R variant (also known as c.3428T>G), located in coding exon 25 of the MYH7 gene, results from a T to G substitution at nucleotide position 3428. The leucine at codon 1143 is replaced by arginine, an amino acid with dissimilar properties. This variant has been reported in a hypertrophic cardiomyopathy (HCM) cohort (Walsh R et al. Genet Med, 2017 Feb;19:192-203). This amino acid position is highly conserved in available vertebrate species. In addition, this alteration is predicted to be deleterious by in silico analysis. Based on the available evidence, the clinical significance of this variant remains unclear.

Literature cited by the submitters: PubMed 27532257 (cited by Labcorp Genetics (formerly Invitae), Labcorp and Ambry Genetics); PubMed 37652022 (cited by Labcorp Genetics (formerly Invitae), Labcorp).